The following is an entry in ClinVar:

ClinVar aggregate classification (germline): Pathogenic (1 of 4 stars; one submission).

Conditions:
Medium-chain acyl-coenzyme A dehydrogenase deficiency (ACADMD). Also called: ACADM DEFICIENCY; CARNITINE DEFICIENCY SECONDARY TO MEDIUM-CHAIN ACYL-CoA DEHYDROGENASE DEFICIENCY; MCADH DEFICIENCY; MCADD; Medium chain acyl-CoA dehydrogenase deficiency; MCAD Deficiency. Identifiers: Orphanet 42, MedGen C0220710, MONDO:0008721, OMIM 201450.

Submission:

Myriad Genetics, Inc.
Classification: Pathogenic for Medium-chain acyl-coenzyme A dehydrogenase deficiency. Last evaluated: 2024-03-22. Review status: criteria provided, single submitter. Criteria: Myriad Autosomal Dominant, Autosomal Recessive and X-Linked Classification Criteria (2023). Collection method: clinical testing. Allele origin: unknown.
Comment: NM_000016.4(ACADM):c.351dupA(G118Rfs*7) is expected to be pathogenic in the context of medium-chain acyl-CoA dehydrogenase deficiency. This variant is predicted to lead to an abnormal or absent protein product due to the creation of a premature termination codon in ACADM, a gene where loss-of-function variants are known to be pathogenic. Please note: this variant was assessed in the context of healthy population screening.

NM_000016.6(ACADM):c.351dup (p.Gly118fs)

Gene: ACADM (acyl-CoA dehydrogenase medium chain; plus strand). Cytogenetic location: 1p31.1.
Variant type: Duplication.
Coding change: c.351dup on transcript NM_000016.6 (MANE Select); coding-DNA position 351, one base duplicated (A; older notation c.351dupA).
Protein change: p.Gly118fs; shifts the reading frame from glycine 118.
Molecular consequence: frameshift variant. On other transcripts: intron variant (1).
Genome position (GRCh38, 1-based): chr1:75,733,592, A duplicated. VCF-style (leftmost placement, unchanged base first): chr1-75733591-C-CA. GRCh37 (hg19) VCF-style: chr1-76199276-C-CA.
Other names: c.363dup, p.Gly122fs (NM_001127328.3); c.243dup, p.Gly82fs (NM_001286042.2); c.450dup, p.Gly151fs (NM_001286043.2); c.-100+670dup (NM_001286044.2); short protein forms G118fs, G122fs, G151fs, G82fs.
Identifiers: ClinVar variation 5012846 (VCV005012846.1).